The following is an entry in ClinVar:

NM_000038.6(APC):c.645+876C>T

Gene: APC (APC regulator of WNT signaling pathway; plus strand). Cytogenetic location: 5q22.2.
Variant type: single nucleotide variant.
Coding change: c.645+876C>T on transcript NM_000038.6 (MANE Select); 876 bases into the intron after coding-DNA position 645, C replaced by T.
Molecular consequence: intron variant.
Genome position (GRCh38, 1-based): chr5:112,781,779, C>T. VCF-style: chr5-112781779-C-T. GRCh37 (hg19) VCF-style: chr5-112117476-C-T.
Other names: c.645+876C>T (NM_001354895.2, NM_001127510.3, NM_001354896.2 and 2 more transcripts); c.675+876C>T (NM_001354897.2, NM_001354902.2, NM_001127511.3); c.570+876C>T (NM_001354898.2, NM_001354904.2); c.-391+876C>T (NM_001354906.2); c.468+876C>T (NM_001354900.2, NM_001354901.2, NM_001354905.2).
Identifiers: ClinVar variation 82436 (VCV000082436.2), dbSNP rs79407742, ClinGen allele CA011641.
Genomic context (GRCh38, chr5:112,781,779, plus strand): 5'-AAGTATAGTCTTTATTTTTTTTGTGACACTTCCTAAACATAATGATTTTTTTTTTTTTTT[C>T]TTGAGTCTCACCCTGTTGCCCAGGCTGAAGTGCAATGGCATGATCTCACCTGCAACTTCC-3'

ClinVar aggregate classification (germline): other (0 of 4 stars; one submission).

Conditions:
Familial colorectal cancer. Identifiers: MedGen CN280943, MONDO:0023113. Disease mechanism: loss of function.

Submission:

Systems Biology Platform Zhejiang California International NanoSystems Institute
Classification: other for Familial colorectal cancer. Review status: no assertion criteria provided. Collection method: not provided. Allele origin: unknown.
ClinVar note: Converted during submission from cancer to other.